The following is an entry in ClinVar:

ClinVar aggregate classification (germline): Likely benign. Review status: criteria provided, multiple submitters, no conflicts (2 of 4 stars). 4 submissions from 4 submitters: Likely benign (3). 1 of the submissions does not count toward it. Last evaluated 2025-08-25.

Conditions:
Primary ciliary dyskinesia. Also called: Ciliary dyskinesia. Identifiers: Orphanet 244, MedGen C0008780, MONDO:0016575, HP:0012265.
DNAAF3-related disorder. Also called: DNAAF3-related condition.

Allele frequency attached by ClinVar (database versions not stated): gnomAD 0.00004 and 0.00005; ESP Exome Variant Server 0.00016.
gnomAD v4.1: 79 of 1,602,652 alleles (0.0049%); highest among the groups gnomAD compares: Non-Finnish European, 0.0061%; no homozygotes.

Submissions (4):

Labcorp Genetics (formerly Invitae), Labcorp
Classification: Likely benign for Primary ciliary dyskinesia. Last evaluated: 2025-08-25. Review status: criteria provided, single submitter. Criteria: Invitae Variant Classification Sherloc (09022015). Collection method: clinical testing. Allele origin: germline.

Blueprint Genetics
Classification: Likely benign. Last evaluated: 2024-11-26. Review status: criteria provided, single submitter. Criteria: ACMG Guidelines, 2015. Collection method: clinical testing. Allele origin: germline.

Ambry Genetics
Classification: Likely benign for Primary ciliary dyskinesia. Last evaluated: 2024-08-12. Review status: criteria provided, single submitter. Criteria: Ambry Variant Classification Scheme 2023. Collection method: clinical testing. Allele origin: germline.

PreventionGenetics, part of Exact Sciences
Classification: Likely benign for DNAAF3-related condition. Last evaluated: 2023-11-22. Review status: no assertion criteria provided. Collection method: clinical testing. Allele origin: germline. Not counted in ClinVar's aggregate classification.
Comment: This variant is classified as likely benign based on ACMG/AMP sequence variant interpretation guidelines (Richards et al. 2015 PMID: 25741868, with internal and published modifications).

NM_001256715.2(DNAAF3):c.1089G>A (p.Pro363=)

Genes: DNAAF3 (dynein axonemal assembly factor 3; minus strand), DNAAF3-AS1 (DNAAF3 antisense RNA 1; plus strand). Cytogenetic location: 19q13.42.
Variant type: single nucleotide variant.
Coding change: c.1089G>A on transcript NM_001256715.2 (MANE Select); coding-DNA position 1089, G replaced by A.
Protein change: p.Pro363=; no amino-acid change (proline 363 retained).
Molecular consequence: synonymous variant.
Genome position (GRCh38, 1-based): chr19:55,159,973, C>T on the plus strand (G>A on the coding strand, the complement: DNAAF3 is on the minus strand). VCF-style: chr19-55159973-C-T. GRCh37 (hg19) VCF-style: chr19-55671341-C-T.
Other names: c.1290G>A, p.Pro430= (NM_001256714.1); c.927G>A, p.Pro309= (NM_001256716.2); c.1230G>A, p.Pro410= (NM_178837.4).
Identifiers: ClinVar variation 1595659 (VCV001595659.12), dbSNP rs368469150, ClinGen allele CA9667909.
Genomic context (GRCh38, chr19:55,159,973, plus strand): 5'-GAGGAGCTGGAATCGGCCGTTGTAGCAGCTCTTGTGGTGGAGAGTCTGAGCAGAATTGAG[C>T]GGCAGGAAGTGGACGGTGAAAGATTCCGGGGTCGGGGCTGCTGGGGGAAGGGGATAGAGG-3'
Protein context (NP_001243644.1, residues 353-373): TPESFTVHFL[Pro363=]LNSAQTLHHK